The following is an entry in ClinVar:

NM_001270974.2(HYDIN):c.8849+5G>C

Gene: HYDIN (HYDIN axonemal central pair apparatus protein; minus strand). Cytogenetic location: 16q22.2.
Variant type: single nucleotide variant.
Coding change: c.8849+5G>C on transcript NM_001270974.2 (MANE Select); 5 bases into the intron after coding-DNA position 8849, G replaced by C.
Molecular consequence: intron variant.
Genome position (GRCh38, 1-based): chr16:70,903,620, C>G on the plus strand (G>C on the coding strand, the complement: HYDIN is on the minus strand). VCF-style: chr16-70903620-C-G. GRCh37 (hg19) VCF-style: chr16-70937523-C-G.
Identifiers: ClinVar variation 2646730 (VCV002646730.24), dbSNP rs2507007335, ClinGen allele CA2695197680.

ClinVar aggregate classification (germline): Uncertain significance (1 of 4 stars; one submission).

Submission:

CeGaT Center for Human Genetics Tuebingen
Classification: Uncertain significance. Last evaluated: 2022-08-01. Review status: criteria provided, single submitter. Criteria: CeGaT Center For Human Genetics Tuebingen Variant Classification Criteria Version 2. Collection method: clinical testing. Allele origin: germline. Affected: yes. Observed: 1 variant allele.
Comment: HYDIN: PM2